The following is an entry in ClinVar:

NM_006914.4(RORB):c.1220C>T (p.Ala407Val)

Gene: RORB (RAR related orphan receptor B; plus strand). Cytogenetic location: 9q21.13.
Variant type: single nucleotide variant.
Coding change: c.1220C>T on transcript NM_006914.4 (MANE Select); coding-DNA position 1220, C replaced by T.
Protein change: p.Ala407Val; replaces alanine 407 with valine.
Molecular consequence: missense variant.
Genome position (GRCh38, 1-based): chr9:74,671,897, C>T. VCF-style: chr9-74671897-C-T. GRCh37 (hg19) VCF-style: chr9-77286813-C-T.
Other names: c.1253C>T, p.Ala418Val (NM_001365023.1); short protein forms A407V, A418V.
Identifiers: ClinVar variation 4762172 (VCV004762172.1).
Genomic context (GRCh38, chr9:74,671,897, plus strand): 5'-AAATTTATTTTGCACTTCAACATGTGATTCAGAAGAATCACCTGGATGATGAGACCTTGG[C>T]AAAGGTAGGTCCACAGATCACAGAGCCACCACCACCAAAAGAGAGCACAGTGAGCAAAAA-3'
Protein context (NP_008845.2, residues 397-417): QKNHLDDETL[Ala407Val]KLIAKIPTIT

ClinVar aggregate classification (germline): Uncertain significance (1 of 4 stars; one submission).

gnomAD v4.1: 6 of 1,583,506 alleles (0.00038%); highest among the groups gnomAD compares: Non-Finnish European, 0.00052%; no homozygotes.

Submission:

Labcorp Genetics (formerly Invitae), Labcorp
Classification: Uncertain significance. Last evaluated: 2025-06-09. Review status: criteria provided, single submitter. Criteria: Invitae Variant Classification Sherloc (09022015). Collection method: clinical testing. Allele origin: germline.
Comment: This sequence change replaces alanine, which is neutral and non-polar, with valine, which is neutral and non-polar, at codon 407 of the RORB protein (p.Ala407Val). This variant is not present in population databases (gnomAD no frequency). This variant has not been reported in the literature in individuals affected with RORB-related conditions. An algorithm developed to predict the effect of missense changes on protein structure and function (PolyPhen-2) suggests that this variant is likely to be tolerated. In summary, the available evidence is currently insufficient to determine the role of this variant in disease. Therefore, it has been classified as a Variant of Uncertain Significance.